The following is an entry in ClinVar:

ClinVar aggregate classification (germline): Likely benign (1 of 4 stars; one submission).

Allele frequency attached by ClinVar (database versions not stated): ESP Exome Variant Server 0.00138; TOPMed 0.00142; 1000 Genomes Project 0.00180; 1000 Genomes Project 30x 0.00187; ExAC 0.00244.
gnomAD v4.1: 4,469 of 1,611,782 alleles (0.28%); highest among the groups gnomAD compares: Non-Finnish European, 0.3%; 17 homozygotes.

Submission:

CeGaT Center for Human Genetics Tuebingen
Classification: Likely benign. Last evaluated: 2024-01-01. Review status: criteria provided, single submitter. Criteria: CeGaT Center For Human Genetics Tuebingen Variant Classification Criteria Version 2. Collection method: clinical testing. Allele origin: germline. Affected: yes. Observed: 1 variant allele.
Comment: ZC3H11A: BP4, BP7, BS2

NM_001376342.1(ZC3H11A):c.798C>A (p.Leu266=)

Genes: ZBED6 (zinc finger BED-type containing 6; plus strand), ZC3H11A (zinc finger CCCH-type containing 11A; plus strand). Cytogenetic location: 1q32.1.
Variant type: single nucleotide variant.
Coding change: c.798C>A on transcript NM_001376342.1 (MANE Select); coding-DNA position 798, C replaced by A.
Protein change: p.Leu266=; no amino-acid change (leucine 266 retained).
Molecular consequence: synonymous variant. On other transcripts: 3 prime UTR variant (1).
Genome position (GRCh38, 1-based): chr1:203,831,758, C>A. VCF-style: chr1-203831758-C-A. GRCh37 (hg19) VCF-style: chr1-203800886-C-A.
Other names: c.798C>A, p.Leu266= (NM_001350264.2, NM_001350265.2, NM_001350266.2 and 39 more transcripts); c.*3497C>A (NM_001395895.1).
Identifiers: ClinVar variation 3025007 (VCV003025007.22), dbSNP rs141612045, ClinGen allele CA1342962.
Genomic context (GRCh38, chr1:203,831,758, plus strand): 5'-TGAGCCCGTTCCAGGTCCTGAAAAAGAAAATGTCAGGACTGTGGTGAGGACAGTAACTCT[C>A]TCCACCAAACAAGGTAAGGTATAGATAGGTCTTAGAGTTGTCAAGCCTCTACTTTTATAT-3'
Protein context (NP_001363271.1, residues 256-276): NVRTVVRTVT[Leu266=]STKQGEEPLV